The following is an entry in ClinVar:

ClinVar aggregate classification (germline): Likely benign. Review status: criteria provided, single submitter (1 of 4 stars). 2 submissions from 2 submitters: Likely benign (1). 1 of the submissions does not count toward it. Last evaluated 2025-07-07.

Conditions:
DNASE1L3-related disorder. Also called: DNASE1L3-related condition.

Allele frequency attached by ClinVar (database versions not stated): ESP Exome Variant Server 0.00023.

Submissions (2):

Labcorp Genetics (formerly Invitae), Labcorp
Classification: Likely benign. Last evaluated: 2025-07-07. Review status: criteria provided, single submitter. Criteria: Invitae Variant Classification Sherloc (09022015). Collection method: clinical testing. Allele origin: germline.

PreventionGenetics, part of Exact Sciences
Classification: Likely benign for DNASE1L3-related condition. Last evaluated: 2019-05-01. Review status: no assertion criteria provided. Collection method: clinical testing. Allele origin: germline. Not counted in ClinVar's aggregate classification.
Comment: This variant is classified as likely benign based on ACMG/AMP sequence variant interpretation guidelines (Richards et al. 2015 PMID: 25741868, with internal and published modifications).

NM_004944.4(DNASE1L3):c.522C>T (p.Asp174=)

Gene: DNASE1L3 (deoxyribonuclease 1L3; minus strand). Cytogenetic location: 3p14.3.
Variant type: single nucleotide variant.
Coding change: c.522C>T on transcript NM_004944.4 (MANE Select); coding-DNA position 522, C replaced by T.
Protein change: p.Asp174=; no amino-acid change (aspartic acid 174 retained).
Molecular consequence: synonymous variant.
Genome position (GRCh38, 1-based): chr3:58,201,021, G>A on the plus strand (C>T on the coding strand, the complement: DNASE1L3 is on the minus strand). VCF-style: chr3-58201021-G-A. GRCh37 (hg19) VCF-style: chr3-58186748-G-A.
Other names: c.522C>T (NM_004944.3); c.432C>T, p.Asp144= (NM_001256560.2).
Identifiers: ClinVar variation 1984172 (VCV001984172.6), dbSNP rs146622951, ClinGen allele CA2469954.